The following is an entry in ClinVar:

ClinVar aggregate classification (germline): Uncertain significance (1 of 4 stars; one submission).

Submission:

GeneDx
Classification: Uncertain significance. Last evaluated: 2022-08-22. Review status: criteria provided, single submitter. Criteria: GeneDx Variant Classification Process June 2021. Collection method: clinical testing. Allele origin: germline. Affected: yes.
Comment: Not observed at significant frequency in large population cohorts (gnomAD); In silico analysis supports that this missense variant has a deleterious effect on protein structure/function; Has not been previously published as pathogenic or benign to our knowledge

NM_004525.3(LRP2):c.9911G>T (p.Arg3304Leu)

Gene: LRP2 (LDL receptor related protein 2; minus strand). Cytogenetic location: 2q31.1.
Variant type: single nucleotide variant.
Coding change: c.9911G>T on transcript NM_004525.3 (MANE Select); coding-DNA position 9911, G replaced by T.
Protein change: p.Arg3304Leu; replaces arginine 3304 with leucine.
Molecular consequence: missense variant.
Genome position (GRCh38, 1-based): chr2:169,182,254, C>A on the plus strand (G>T on the coding strand, the complement: LRP2 is on the minus strand). VCF-style: chr2-169182254-C-A. GRCh37 (hg19) VCF-style: chr2-170038764-C-A.
Other names: short protein forms R3304L.
Identifiers: ClinVar variation 2430593 (VCV002430593.1), dbSNP rs888091809, ClinGen allele CA349151989.